The following is an entry in ClinVar:

ClinVar aggregate classification (germline): Pathogenic (1 of 4 stars; one submission).

Conditions:
Inborn genetic diseases. Identifiers: MedGen C0950123, MeSH D030342.

Submission:

Ambry Genetics
Classification: Pathogenic for Inborn genetic diseases. Last evaluated: 2026-01-26. Review status: criteria provided, single submitter. Criteria: Ambry Variant Classification Scheme 2023. Collection method: clinical testing. Allele origin: germline.
Comment: The c.1183_1184delTC (p.S395Pfs*30) alteration, located in exon 8 (coding exon 8) of the CTNND2 gene, consists of a deletion of 2 nucleotides from position 1183 to 1184, causing a translational frameshift with a predicted alternate stop codon after 30 amino acids. This alteration is expected to result in loss of function by premature protein truncation or nonsense-mediated mRNA decay. This variant was not reported in population-based cohorts in the Genome Aggregation Database (gnomAD). Based on the available evidence, this alteration is classified as pathogenic.

NM_001332.4(CTNND2):c.1183_1184del (p.Ser395fs)

Gene: CTNND2 (catenin delta 2; minus strand). Cytogenetic location: 5p15.2.
Variant type: Deletion.
Coding change: c.1183_1184del on transcript NM_001332.4 (MANE Select); coding-DNA positions 1183 to 1184, 2 bases deleted (TC; older notation c.1183_1184delTC).
Protein change: p.Ser395fs; shifts the reading frame from serine 395.
Molecular consequence: frameshift variant. On other transcripts: 5 prime UTR variant (1), non-coding transcript variant (1).
Genome position (GRCh38, 1-based): chr5:11,364,884-11,364,885, GA deleted on the plus strand (TC on the coding strand, the reverse complement: CTNND2 is on the minus strand). VCF-style (leftmost placement, unchanged base first): chr5-11364883-GGA-G. GRCh37 (hg19) VCF-style: chr5-11364995-GGA-G.
Other names: c.910_911del, p.Ser304fs (NM_001288715.1); c.172_173del, p.Ser58fs (NM_001288716.1, NM_001364128.2); c.-117_-116del (NM_001288717.2); short protein forms S58fs, S304fs, S395fs.
Identifiers: ClinVar variation 4839380 (VCV004839380.1).
Genomic context (GRCh38, chr5:11,364,883, plus strand): 5'-GGACTGCAGGGCCCGCAACTCTGGGCCCAGGTGCCCATGCTGGCTGCTGTATGAGGCTCG[GGA>G]ACCAGCTGAAATAAATCAACAGAGGGACATCAAAGCTCAGGCGACCTCCAAACAGAACTT-3'